The following is an entry in ClinVar:

ClinVar aggregate classification (germline): Pathogenic (1 of 4 stars; one submission).

Conditions:
Rhabdoid tumor predisposition syndrome 2 (RTPS2). Identifiers: Orphanet 231108, Orphanet 69077, MedGen C2750074, MONDO:0013224, OMIM 613325.

Submission:

Labcorp Genetics (formerly Invitae), Labcorp
Classification: Pathogenic for Rhabdoid tumor predisposition syndrome 2. Last evaluated: 2024-10-27. Review status: criteria provided, single submitter. Criteria: Invitae Variant Classification Sherloc (09022015). Collection method: clinical testing. Allele origin: germline.
Comment: This sequence change creates a premature translational stop signal (p.Pro1488Thrfs*6) in the SMARCA4 gene. It is expected to result in an absent or disrupted protein product. Loss-of-function variants in SMARCA4 are known to be pathogenic (PMID: 24658001, 24658002). This variant is not present in population databases (gnomAD no frequency). This variant has not been reported in the literature in individuals affected with SMARCA4-related conditions. For these reasons, this variant has been classified as Pathogenic.

Literature cited by the submitters: PubMed 24658001; PubMed 24658002.

NM_003072.5(SMARCA4):c.4366_4369del (p.Pro1456fs)

Gene: SMARCA4 (SWI/SNF related BAF chromatin remodeling complex subunit ATPase 4; plus strand). Cytogenetic location: 19p13.2.
Variant type: Microsatellite.
Coding change: c.4366_4369del on transcript NM_003072.5 (MANE Select); coding-DNA positions 4366 to 4369, 4 bases deleted (CCCA; older notation c.4366_4369delCCCA).
Protein change: p.Pro1456fs; shifts the reading frame from proline 1456.
Molecular consequence: frameshift variant. On other transcripts: non-coding transcript variant (1).
Genome position (GRCh38, 1-based): chr19:11,041,502-11,041,505, CCCA deleted; deleting any 4 consecutive bases within chr19:11,041,497-11,041,505 gives the same sequence; the c. name uses the placement nearest the transcript's 3' end. VCF-style (leftmost placement, unchanged base first): chr19-11041496-AACCC-A. GRCh37 (hg19) VCF-style: chr19-11152172-AACCC-A.
Other names: c.4366_4369del, p.Pro1456fs (NM_001128844.3); c.4276_4279del, p.Pro1426fs (NM_001128845.2, NM_001128846.2); c.4267_4270del, p.Pro1423fs (NM_001128847.4, NM_001128848.2, NM_001374457.1); c.4462_4465del, p.Pro1488fs (NM_001128849.3, NM_001387283.1); c.4363_4366del, p.Pro1455fs (NM_001411150.1); short protein forms P1423fs, P1426fs, P1455fs, P1488fs, P1456fs.
Identifiers: ClinVar variation 3723840 (VCV003723840.2).
Genomic context (GRCh38, chr19:11,041,496, plus strand): 5'-GACGACGAGAGCAAGAAGCAGAAGAAGCGCGGGCGGCCGCCTGCCGAGAAACTCTCCCCT[AACCC>A]ACCCAACCTCACCAAGAAGATGAAGAAGATTGTGGATGCCGTGATCAAGTACAAGGACAG-3'